The following is an entry in ClinVar:

NM_000027.4(AGA):c.809A>G (p.Tyr270Cys)

Gene: AGA (aspartylglucosaminidase; minus strand). Cytogenetic location: 4q34.3.
Variant type: single nucleotide variant.
Coding change: c.809A>G on transcript NM_000027.4 (MANE Select); coding-DNA position 809, A replaced by G.
Protein change: p.Tyr270Cys; replaces tyrosine 270 with cysteine.
Molecular consequence: missense variant. On other transcripts: non-coding transcript variant (1).
Genome position (GRCh38, 1-based): chr4:177,433,345, T>C on the plus strand (A>G on the coding strand, the complement: AGA is on the minus strand). VCF-style: chr4-177433345-T-C. GRCh37 (hg19) VCF-style: chr4-178354499-T-C.
Other names: c.779A>G, p.Tyr260Cys (NM_001171988.2); short protein forms Y260C, Y270C.
Identifiers: ClinVar variation 2179531 (VCV002179531.3), dbSNP rs746186336, ClinGen allele CA3146779.

ClinVar aggregate classification (germline): Uncertain significance (1 of 4 stars; one submission).

Conditions:
Aspartylglucosaminuria (AGU). Also called: AGA DEFICIENCY; GLYCOASPARAGINASE; GLYCOSYLASPARAGINASE DEFICIENCY; Aspartylglucos-aminuria; Aspartylglucos-amidase (AGA) deficiency. Identifiers: Orphanet 93, MedGen C0268225, MONDO:0008830, OMIM 208400, HP:0012068.

Allele frequency attached by ClinVar (database versions not stated): gnomAD exomes below 0.00001; TOPMed below 0.00001; ExAC 0.00001.

Submission:

Labcorp Genetics (formerly Invitae), Labcorp
Classification: Uncertain significance for Aspartylglucosaminuria. Last evaluated: 2024-10-22. Review status: criteria provided, single submitter. Criteria: Invitae Variant Classification Sherloc (09022015). Collection method: clinical testing. Allele origin: germline.
Comment: This sequence change replaces tyrosine, which is neutral and polar, with cysteine, which is neutral and slightly polar, at codon 270 of the AGA protein (p.Tyr270Cys). This variant is present in population databases (rs746186336, gnomAD 0.006%). This variant has not been reported in the literature in individuals affected with AGA-related conditions. ClinVar contains an entry for this variant (Variation ID: 2179531). Invitae Evidence Modeling of protein sequence and biophysical properties (such as structural, functional, and spatial information, amino acid conservation, physicochemical variation, residue mobility, and thermodynamic stability) indicates that this missense variant is expected to disrupt AGA protein function with a positive predictive value of 80%. In summary, the available evidence is currently insufficient to determine the role of this variant in disease. Therefore, it has been classified as a Variant of Uncertain Significance.